The following is an entry in ClinVar:

NM_194248.3(OTOF):c.5868C>T (p.Tyr1956=)

Gene: OTOF (otoferlin; minus strand). Cytogenetic location: 2p23.3.
Variant type: single nucleotide variant.
Coding change: c.5868C>T on transcript NM_194248.3 (MANE Select); coding-DNA position 5868, C replaced by T.
Protein change: p.Tyr1956=; no amino-acid change (tyrosine 1956 retained).
Molecular consequence: synonymous variant. On other transcripts: intron variant (2).
Genome position (GRCh38, 1-based): chr2:26,460,151, G>A on the plus strand (C>T on the coding strand, the complement: OTOF is on the minus strand). VCF-style: chr2-26460151-G-A. GRCh37 (hg19) VCF-style: chr2-26683019-G-A.
Other names: c.3567C>T, p.Tyr1189= (NM_004802.4); c.3798C>T, p.Tyr1266= (NM_194322.3); c.5813+496C>T (NM_001287489.2); c.3512+496C>T (NM_194323.3).
Identifiers: ClinVar variation 179540 (VCV000179540.5), dbSNP rs727504937, ClinGen allele CA184628.

ClinVar aggregate classification (germline): Likely benign (1 of 4 stars; one submission).

gnomAD v4.1: 1 of 1,603,442 alleles (0.000062%); highest among the groups gnomAD compares: Non-Finnish European, 0.000085%; no homozygotes.

Submission:

Laboratory for Molecular Medicine, Mass General Brigham Personalized Medicine
Classification: Likely benign. Last evaluated: 2014-01-30. Review status: criteria provided, single submitter. Criteria: LMM Criteria. Collection method: clinical testing. Allele origin: germline. Observed: 1 variant allele.
Comment: Tyr1956Tyr in exon 47 of OTOF: This variant is not expected to have clinical sig nificance because it does not alter an amino acid residue and is not located wit hin the splice consensus sequence.